The following is an entry in ClinVar:

NM_001278716.2(FBXL4):c.1648_1649del (p.Asp550fs)

Gene: FBXL4 (F-box and leucine rich repeat protein 4; minus strand). Cytogenetic location: 6q16.1.
Variant type: Deletion.
Coding change: c.1648_1649del on transcript NM_001278716.2 (MANE Select); coding-DNA positions 1648 to 1649, 2 bases deleted (GA; older notation c.1648_1649delGA).
Protein change: p.Asp550fs; shifts the reading frame from aspartic acid 550.
Molecular consequence: frameshift variant. On other transcripts: non-coding transcript variant (1).
Genome position (GRCh38, 1-based): chr6:98,875,468-98,875,469, TC deleted on the plus strand (GA on the coding strand, the reverse complement: FBXL4 is on the minus strand); deleting any 2 consecutive bases within chr6:98,875,468-98,875,470 gives the same sequence; the c. name uses the placement nearest the transcript's 3' end. VCF-style (leftmost placement, unchanged base first): chr6-98875467-GTC-G. GRCh37 (hg19) VCF-style: chr6-99323343-GTC-G.
Other names: c.1648_1649del, p.Asp550fs (NM_012160.5); short protein forms D550fs.
Identifiers: ClinVar variation 437499 (VCV000437499.41), dbSNP rs1554215986, ClinGen allele CA645372254.

ClinVar aggregate classification (germline): Pathogenic. Review status: criteria provided, multiple submitters, no conflicts (2 of 4 stars). 5 submissions from 5 submitters: Pathogenic (4). 1 of the submissions does not count toward it. Last evaluated 2021-02-01.

Conditions:
Mitochondrial DNA depletion syndrome 13. Also called: FBXL4-Related Encephalomyopathic Mitochondrial DNA Depletion Syndrome; Mitochondrial DNA depletion syndrome 13 (encephalomyopathic type). Identifiers: Orphanet 369897, MedGen C3809592, MONDO:0014198, OMIM 615471.

Submissions (5):

CeGaT Center for Human Genetics Tuebingen
Classification: Pathogenic. Last evaluated: 2021-02-01. Review status: criteria provided, single submitter. Criteria: CeGaT Center For Human Genetics Tuebingen Variant Classification Criteria Version 2. Collection method: clinical testing. Allele origin: germline. Affected: yes. Observed: 1 variant allele.

Genomic Research Center, Shahid Beheshti University of Medical Sciences
Classification: Pathogenic for Mitochondrial DNA depletion syndrome 13. Last evaluated: 2017-12-03. Review status: criteria provided, single submitter. Criteria: ACMG Guidelines, 2015. Collection method: clinical testing. Allele origin: inherited. Affected: yes.

Institute of Human Genetics Munich, TUM University Hospital
Classification: Pathogenic for Mitochondrial DNA depletion syndrome 13. Last evaluated: 2017-10-25. Review status: criteria provided, single submitter. Criteria: Classification criteria August 2017. Collection method: clinical testing. Allele origin: inherited. Inheritance: Autosomal recessive inheritance. Affected: yes. Observed: 1 homozygote.

Wong Mito Lab, Molecular and Human Genetics, Baylor College of Medicine
Classification: Pathogenic for Mitochondrial DNA depletion syndrome 13. Last evaluated: 2017-08-10. Review status: criteria provided, single submitter. Criteria: ACMG Guidelines, 2015. Collection method: clinical testing. Allele origin: germline. Affected: yes.
Comment: The NM_012160.4:c.1648_1649del (NP_036292.2:p.Asp550HisfsTer2) [GRCH38: NC_000006.12:g.98875469_98875470del] variant in FBXL4 gene is interpretated to be a Pathogenic based on ACMG guidelines (PMID: 25741868). This variant meets one or more of the following evidence codes reported in the ACMG-guideline. PVS1:This variant is a predcted null variant in FBXL4 where loss of function is a known mechanism of disease. PM2:This variant is absent in key population databases. PP4:Patientâ€™s phenotype or family history is highly specific for FBXL4. Based on this evidence code ClinGen Pathogenicity Calculator (PMID:28081714) suggested that the variant is Pathogenic.

Solve-RD Consortium
Classification: Likely pathogenic for Mitochondrial DNA depletion syndrome 13. Last evaluated: 2022-06-01. Review status: no assertion criteria provided. Collection method: provider interpretation. Allele origin: inherited. Affected: yes. Not counted in ClinVar's aggregate classification.
Comment: Variant confirmed as disease-causing by referring clinical team

Variant identified during reanalysis of unsolved cases by the Solve-RD project. The Solve-RD project has received funding from the European Union’s Horizon 2020 research and innovation programme under grant agreement No 779257.

Literature cited by the submitters: PubMed 39825153 (cited by Solve-RD Consortium).